The following is an entry in ClinVar:

NM_198576.4(AGRN):c.3194G>A (p.Gly1065Glu)

Gene: AGRN (agrin; plus strand). Cytogenetic location: 1p36.33.
Variant type: single nucleotide variant.
Coding change: c.3194G>A on transcript NM_198576.4 (MANE Select); coding-DNA position 3194, G replaced by A.
Protein change: p.Gly1065Glu; replaces glycine 1065 with glutamic acid.
Molecular consequence: missense variant.
Genome position (GRCh38, 1-based): chr1:1,046,679, G>A. VCF-style: chr1-1046679-G-A. GRCh37 (hg19) VCF-style: chr1-982059-G-A.
Other names: c.3194G>A, p.Gly1065Glu (NM_001305275.2); c.2879G>A, p.Gly960Glu (NM_001364727.2); short protein forms G1065E, G960E.
Identifiers: ClinVar variation 806027 (VCV000806027.47), dbSNP rs1570225219, ClinGen allele CA337847628.
Genomic context (GRCh38, chr1:1,046,679, plus strand): 5'-CACCCTCCCCTGCACCCAGCCTGGTGGCGTCCGCCTTTGGTGAATCTGGCAGCACTGATG[G>A]AAGCAGCGATGAGGAACTGAGCGGGGACCAGGAGGCCAGTGGGGGTGGCTCTGGGGGTGA-3'
Protein context (NP_940978.2, residues 1055-1075): SAFGESGSTD[Gly1065Glu]SSDEELSGDQ

ClinVar aggregate classification (germline): Uncertain significance. Review status: criteria provided, multiple submitters, no conflicts (2 of 4 stars). 3 submissions from 3 submitters: Uncertain significance (3). Last evaluated 2023-09-15.

Conditions:
Congenital myasthenic syndrome 8. Also called: MYASTHENIC SYNDROME, CONGENITAL, DUE TO AGRIN DEFICIENCY; Myasthenic syndrome, congenital, 8, with pre- and postsynaptic defects. Identifiers: Orphanet 590, MedGen C3808739, MONDO:0014052, OMIM 615120.

Allele frequency attached by ClinVar (database versions not stated): gnomAD exomes below 0.00001; TOPMed below 0.00001.

Submissions (3):

Revvity Omics, Revvity
Classification: Uncertain significance for Congenital myasthenic syndrome 8. Last evaluated: 2023-09-15. Review status: criteria provided, single submitter. Criteria: ACMG Guidelines, 2015. Collection method: clinical testing. Allele origin: germline.

Labcorp Genetics (formerly Invitae), Labcorp
Classification: Uncertain significance for Congenital myasthenic syndrome 8. Last evaluated: 2022-05-31. Review status: criteria provided, single submitter. Criteria: Invitae Variant Classification Sherloc (09022015). Collection method: clinical testing. Allele origin: germline.
Comment: In summary, the available evidence is currently insufficient to determine the role of this variant in disease. Therefore, it has been classified as a Variant of Uncertain Significance. This sequence change replaces glycine, which is neutral and non-polar, with glutamic acid, which is acidic and polar, at codon 1065 of the AGRN protein (p.Gly1065Glu). This variant is not present in population databases (gnomAD no frequency). This variant has not been reported in the literature in individuals affected with AGRN-related conditions. ClinVar contains an entry for this variant (Variation ID: 806027). Algorithms developed to predict the effect of missense changes on protein structure and function are either unavailable or do not agree on the potential impact of this missense change (SIFT: "Tolerated"; PolyPhen-2: "Possibly Damaging"; Align-GVGD: "Class C0").

CeGaT Center for Human Genetics Tuebingen
Classification: Uncertain significance. Last evaluated: 2016-05-01. Review status: criteria provided, single submitter. Criteria: CeGaT Center For Human Genetics Tuebingen Variant Classification Criteria Version 2. Collection method: clinical testing. Allele origin: germline. Affected: yes. Observed: 1 variant allele.